The following is an entry in ClinVar:

NM_000096.4(CP):c.2675G>A (p.Gly892Glu)

Gene: CP (ceruloplasmin; minus strand). Cytogenetic location: 3q24.
Variant type: single nucleotide variant.
Coding change: c.2675G>A on transcript NM_000096.4 (MANE Select); coding-DNA position 2675, G replaced by A.
Protein change: p.Gly892Glu; replaces glycine 892 with glutamic acid.
Molecular consequence: missense variant. On other transcripts: non-coding transcript variant (1).
Genome position (GRCh38, 1-based): chr3:149,178,618, C>T on the plus strand (G>A on the coding strand, the complement: CP is on the minus strand). VCF-style: chr3-149178618-C-T. GRCh37 (hg19) VCF-style: chr3-148896405-C-T.
Other names: G873E; short protein forms G892E.
Identifiers: ClinVar variation 42053 (VCV000042053.3), dbSNP rs386134131, ClinGen allele CA344485.

ClinVar aggregate classification (germline): Pathogenic (0 of 4 stars; one submission).

Conditions:
Deficiency of ferroxidase (ACEP). Also called: Deficiency of ceruloplasmin; Aceruloplasminemia; Ceruloplasmin deficiency; Familial apoceruloplasmin deficiency; Hereditary ceruloplasmin deficiency; NEURODEGENERATION WITH BRAIN IRON ACCUMULATION 10. Identifiers: Orphanet 48818, MedGen C0878682, MONDO:0011426, OMIM 604290, HP:0025498.

Submission:

GeneReviews
Classification: Pathogenic for Aceruloplasminemia. Last evaluated: 2013-04-18. Review status: no assertion criteria provided. Collection method: curation. Allele origin: unknown.
ClinVar note: Converted during submission from pathologic to Pathogenic.